The following is an entry in ClinVar:

NM_020207.7(ERCC6L2):c.3429T>A (p.His1143Gln)

Gene: ERCC6L2 (ERCC excision repair 6 like 2; plus strand). Cytogenetic location: 9q22.32.
Variant type: single nucleotide variant.
Coding change: c.3429T>A on transcript NM_020207.7 (MANE Select); coding-DNA position 3429, T replaced by A.
Protein change: p.His1143Gln; replaces histidine 1143 with glutamine.
Molecular consequence: missense variant. On other transcripts: non-coding transcript variant (1).
Genome position (GRCh38, 1-based): chr9:95,978,152, T>A. VCF-style: chr9-95978152-T-A. GRCh37 (hg19) VCF-style: chr9-98740434-T-A.
Other names: c.3429T>A, p.His1143Gln (NM_001375291.1, NM_001375292.1, NM_001375293.1 and 1 more transcripts); short protein forms H1143Q.
Identifiers: ClinVar variation 1522474 (VCV001522474.6), dbSNP rs1832748301, ClinGen allele CA466113448.
Genomic context (GRCh38, chr9:95,978,152, plus strand): 5'-AAACCAGAATGTAATTGGATCGAGCAAAGCTGAAAATCACATGAGCCGATGGGCAGCACA[T>A]GACGTATTTGAGTTGAAGCAGTTTTCTCAGCTGCCTGCTAACATAGCTGTTTGCAGTTCT-3'
Protein context (NP_064592.3, residues 1133-1153): AENHMSRWAA[His1143Gln]DVFELKQFSQ

ClinVar aggregate classification (germline): Uncertain significance (1 of 4 stars; one submission).

Allele frequency attached by ClinVar (database versions not stated): TOPMed below 0.00001; gnomAD 0.00001.
gnomAD v4.1: 1 of 1,367,304 alleles (0.000073%); highest among the groups gnomAD compares: Admixed American, 0.0019%; no homozygotes.

Submission:

Labcorp Genetics (formerly Invitae), Labcorp
Classification: Uncertain significance. Last evaluated: 2021-11-03. Review status: criteria provided, single submitter. Criteria: Invitae Variant Classification Sherloc (09022015). Collection method: clinical testing. Allele origin: germline.
Comment: In summary, the available evidence is currently insufficient to determine the role of this variant in disease. Therefore, it has been classified as a Variant of Uncertain Significance. Algorithms developed to predict the effect of missense changes on protein structure and function are either unavailable or do not agree on the potential impact of this missense change (SIFT: "Tolerated"; PolyPhen-2: "Not Available"; Align-GVGD: "Class C0"). This variant has not been reported in the literature in individuals affected with ERCC6L2-related conditions. This variant is not present in population databases (gnomAD no frequency). This sequence change replaces histidine, which is basic and polar, with glutamine, which is neutral and polar, at codon 1154 of the ERCC6L2 protein (p.His1154Gln).